The following is an entry in ClinVar:

ClinVar aggregate classification (germline): Benign/Likely benign. Review status: criteria provided, multiple submitters, no conflicts (2 of 4 stars). 4 submissions from 4 submitters: Benign (1); Likely benign (2). 1 of the submissions does not count toward it. Last evaluated 2026-06-01.

Allele frequency attached by ClinVar (database versions not stated): 1000 Genomes Project 0.00100; 1000 Genomes Project 30x 0.00125; ESP Exome Variant Server 0.00185; TOPMed 0.00220; gnomAD 0.00240; ExAC 0.00263; gnomAD exomes 0.00378.
gnomAD v4.1: 5,821 of 1,614,076 alleles (0.36%); highest among the groups gnomAD compares: Non-Finnish European, 0.45%; 17 homozygotes.

Submissions (4):

CeGaT Center for Human Genetics Tuebingen
Classification: Likely benign. Last evaluated: 2026-06-01. Review status: criteria provided, single submitter. Criteria: CeGaT Center For Human Genetics Tuebingen Variant Classification Criteria Version 2. Collection method: clinical testing. Allele origin: germline. Affected: yes. Observed: 6 variant alleles.
Comment: MECOM: BS2

Labcorp Genetics (formerly Invitae), Labcorp
Classification: Benign. Last evaluated: 2026-01-27. Review status: criteria provided, single submitter. Criteria: Invitae Variant Classification Sherloc (09022015). Collection method: clinical testing. Allele origin: germline.

Blueprint Genetics
Classification: Likely benign. Last evaluated: 2024-11-19. Review status: criteria provided, single submitter. Criteria: ACMG Guidelines, 2015. Collection method: clinical testing. Allele origin: germline.

Genetic Services Laboratory, University of Chicago
Classification: Likely benign. Last evaluated: 2022-06-28. Review status: no assertion criteria provided. Collection method: clinical testing. Allele origin: germline. Affected: no. Not counted in ClinVar's aggregate classification.

NM_004991.4(MECOM):c.884A>G (p.Gln295Arg)

Gene: MECOM (MDS1 and EVI1 complex locus; minus strand). Cytogenetic location: 3q26.2.
Variant type: single nucleotide variant.
Coding change: c.884A>G on transcript NM_004991.4 (MANE Select); coding-DNA position 884, A replaced by G.
Protein change: p.Gln295Arg; replaces glutamine 295 with arginine.
Molecular consequence: missense variant.
Genome position (GRCh38, 1-based): chr3:169,122,674, T>C on the plus strand (A>G on the coding strand, the complement: MECOM is on the minus strand). VCF-style: chr3-169122674-T-C. GRCh37 (hg19) VCF-style: chr3-168840462-T-C.
Other names: c.320A>G (NM_001105078.3); c.320A>G, p.Gln107Arg (NM_001366468.2, NM_001366469.2, NM_001366470.2 and 9 more transcripts); c.884A>G, p.Gln295Arg (NM_001366473.2, NM_001366466.2); c.512A>G, p.Gln171Arg (NM_001105077.4); short protein forms Q107R, Q171R, Q295R.
Identifiers: ClinVar variation 2041744 (VCV002041744.31), dbSNP rs34896995, ClinGen allele CA2696435.